The following is an entry in ClinVar:

ClinVar aggregate classification (germline): Uncertain significance (1 of 4 stars; one submission).

Conditions:
Ehlers-Danlos syndrome, classic type, 1 (EDSCL1). Also called: EDS I; EHLERS-DANLOS SYNDROME, GRAVIS TYPE; EHLERS-DANLOS SYNDROME, SEVERE CLASSIC TYPE; Ehlers-Danlos syndrome, type 1; Ehlers-Danlos Syndrome, Classic Type, COL5A1-Related. Identifiers: MedGen C0268335, MONDO:0019567, OMIM 130000.

Allele frequency attached by ClinVar (database versions not stated): gnomAD exomes below 0.00001.

Submission:

Labcorp Genetics (formerly Invitae), Labcorp
Classification: Uncertain significance for Ehlers-Danlos syndrome, classic type, 1. Last evaluated: 2023-02-10. Review status: criteria provided, single submitter. Criteria: Invitae Variant Classification Sherloc (09022015). Collection method: clinical testing. Allele origin: germline.
Comment: In summary, the available evidence is currently insufficient to determine the role of this variant in disease. Therefore, it has been classified as a Variant of Uncertain Significance. Advanced modeling of protein sequence and biophysical properties (such as structural, functional, and spatial information, amino acid conservation, physicochemical variation, residue mobility, and thermodynamic stability) performed at Invitae indicates that this missense variant is not expected to disrupt COL5A1 protein function. This variant has not been reported in the literature in individuals affected with COL5A1-related conditions. This variant is not present in population databases (gnomAD no frequency). This sequence change replaces methionine, which is neutral and non-polar, with threonine, which is neutral and polar, at codon 1625 of the COL5A1 protein (p.Met1625Thr).

NM_000093.5(COL5A1):c.4874T>C (p.Met1625Thr)

Genes: COL5A1 (collagen type V alpha 1 chain; plus strand), LOC101448202 (uncharacterized LOC101448202; minus strand). Cytogenetic location: 9q34.3.
Variant type: single nucleotide variant.
Coding change: c.4874T>C on transcript NM_000093.5 (MANE Select); coding-DNA position 4874, T replaced by C.
Protein change: p.Met1625Thr; replaces methionine 1625 with threonine.
Molecular consequence: missense variant.
Genome position (GRCh38, 1-based): chr9:134,824,775, T>C. VCF-style: chr9-134824775-T-C. GRCh37 (hg19) VCF-style: chr9-137716621-T-C.
Other names: c.4874T>C, p.Met1625Thr (NM_001278074.1); short protein forms M1625T.
Identifiers: ClinVar variation 2902386 (VCV002902386.3), dbSNP rs2490881056, ClinGen allele CA375458634.
Genomic context (GRCh38, chr9:134,824,775, plus strand): 5'-CGGACGGCATGGAAGAGATCTTCGGCTCTCTCAACTCTCTGAAGCTGGAGATTGAGCAGA[T>C]GAAACGGCCCCTGGGCACGCAGCAGAACCCCGCCCGCACCTGCAAGGACCTGCAGCTCTG-3'
Protein context (NP_000084.3, residues 1615-1635): LNSLKLEIEQ[Met1625Thr]KRPLGTQQNP